The following is an entry in ClinVar:

ClinVar aggregate classification (germline): Likely pathogenic (0 of 4 stars; one submission).

Conditions:
Retinitis pigmentosa (RP). Identifiers: Orphanet 791, MedGen C0035334, MeSH D012174, MONDO:0019200, OMIM 268000. Inheritance: Autosomal dominant, autosomal recessive and X linked inheritance.

Submission:

Department of Ophthalmology and Visual Sciences Kyoto University
Classification: Likely pathogenic for Retinitis pigmentosa. Review status: no assertion criteria provided. Collection method: not provided. Allele origin: unknown.
ClinVar note: Converted during submission from probable-pathogenic to Likely pathogenic.

NM_001297.5(CNGB1):c.2524dup (p.Thr842fs)

Gene: CNGB1 (cyclic nucleotide gated channel subunit beta 1; minus strand). Cytogenetic location: 16q21.
Variant type: Duplication.
Coding change: c.2524dup on transcript NM_001297.5 (MANE Select); coding-DNA position 2524, one base duplicated (A; older notation c.2524dupA).
Protein change: p.Thr842fs; shifts the reading frame from threonine 842.
Molecular consequence: frameshift variant.
Genome position (GRCh38, 1-based): chr16:57,904,844, T duplicated on the plus strand (A on the coding strand, the reverse complement: CNGB1 is on the minus strand). VCF-style (leftmost placement, unchanged base first): chr16-57904843-G-GT. GRCh37 (hg19) VCF-style: chr16-57938747-G-GT.
Other names: c.2506dup, p.Thr836fs (NM_001286130.2); short protein forms T836fs, T842fs.
Identifiers: ClinVar variation 143125 (VCV000143125.2), dbSNP rs527236061, ClinGen allele CA270082.